The following is an entry in ClinVar:

NM_133497.4(KCNV2):c.1303G>T (p.Asp435Tyr)

Gene: KCNV2 (potassium voltage-gated channel modifier subfamily V member 2; plus strand). Cytogenetic location: 9p24.2.
Variant type: single nucleotide variant.
Coding change: c.1303G>T on transcript NM_133497.4 (MANE Select); coding-DNA position 1303, G replaced by T.
Protein change: p.Asp435Tyr; replaces aspartic acid 435 with tyrosine.
Molecular consequence: missense variant.
Genome position (GRCh38, 1-based): chr9:2,719,042, G>T. VCF-style: chr9-2719042-G-T. GRCh37 (hg19) VCF-style: chr9-2719042-G-T.
Other names: short protein forms D435Y.
Identifiers: ClinVar variation 1483149 (VCV001483149.6), dbSNP rs376306786, ClinGen allele CA4965852.

ClinVar aggregate classification (germline): Uncertain significance (1 of 4 stars; one submission).

Allele frequency attached by ClinVar (database versions not stated): 1000 Genomes Project 30x 0.00016; 1000 Genomes Project 0.00020.

Submission:

Labcorp Genetics (formerly Invitae), Labcorp
Classification: Uncertain significance. Last evaluated: 2022-07-19. Review status: criteria provided, single submitter. Criteria: Invitae Variant Classification Sherloc (09022015). Collection method: clinical testing. Allele origin: germline.
Comment: In summary, the available evidence is currently insufficient to determine the role of this variant in disease. Therefore, it has been classified as a Variant of Uncertain Significance. Advanced modeling of protein sequence and biophysical properties (such as structural, functional, and spatial information, amino acid conservation, physicochemical variation, residue mobility, and thermodynamic stability) performed at Invitae indicates that this missense variant is expected to disrupt KCNV2 protein function. ClinVar contains an entry for this variant (Variation ID: 1483149). This variant has not been reported in the literature in individuals affected with KCNV2-related conditions. The frequency data for this variant in the population databases is considered unreliable, as metrics indicate poor data quality at this position in the gnomAD database. This sequence change replaces aspartic acid, which is acidic and polar, with tyrosine, which is neutral and polar, at codon 435 of the KCNV2 protein (p.Asp435Tyr).